The following is an entry in ClinVar:

NM_003797.5(EED):c.17T>C (p.Val6Ala)

Gene: EED (embryonic ectoderm development; plus strand). Cytogenetic location: 11q14.2.
Variant type: single nucleotide variant.
Coding change: c.17T>C on transcript NM_003797.5 (MANE Select); coding-DNA position 17, T replaced by C.
Protein change: p.Val6Ala; replaces valine 6 with alanine.
Molecular consequence: missense variant.
Genome position (GRCh38, 1-based): chr11:86,245,246, T>C. VCF-style: chr11-86245246-T-C. GRCh37 (hg19) VCF-style: chr11-85956288-T-C.
Other names: c.17T>C, p.Val6Ala (NM_001308007.2, NM_001330334.2); short protein forms V6A.
Identifiers: ClinVar variation 1484426 (VCV001484426.8), dbSNP rs752828124, ClinGen allele CA6216287.

ClinVar aggregate classification (germline): Uncertain significance (1 of 4 stars; one submission).

Conditions:
Cohen-Gibson syndrome (COGIS). Also called: EED-Related Overgrowth. Identifiers: Orphanet 659396, MedGen C4479654, MONDO:0060510, OMIM 617561.

Allele frequency attached by ClinVar (database versions not stated): gnomAD exomes below 0.00001; ExAC 0.00001.
gnomAD v4.1: 1 of 1,612,940 alleles (0.000062%); highest among the groups gnomAD compares: Non-Finnish European, 0.000085%; no homozygotes.

Submission:

Labcorp Genetics (formerly Invitae), Labcorp
Classification: Uncertain significance for Cohen-Gibson syndrome. Last evaluated: 2021-07-02. Review status: criteria provided, single submitter. Criteria: Invitae Variant Classification Sherloc (09022015). Collection method: clinical testing. Allele origin: germline.
Comment: This sequence change replaces valine with alanine at codon 6 of the EED protein (p.Val6Ala). The valine residue is weakly conserved and there is a small physicochemical difference between valine and alanine. This variant is present in population databases (rs752828124, ExAC 0.002%). This variant has not been reported in the literature in individuals with EED-related conditions. Algorithms developed to predict the effect of missense changes on protein structure and function (SIFT, PolyPhen-2, Align-GVGD) all suggest that this variant is likely to be tolerated, but these predictions have not been confirmed by published functional studies and their clinical significance is uncertain. In summary, the available evidence is currently insufficient to determine the role of this variant in disease. Therefore, it has been classified as a Variant of Uncertain Significance.